The following is an entry in ClinVar:

NM_001394062.1(MACF1):c.12874C>G (p.His4292Asp)

Gene: MACF1 (microtubule actin crosslinking factor 1; plus strand). Cytogenetic location: 1p34.3.
Variant type: single nucleotide variant.
Coding change: c.12874C>G on transcript NM_001394062.1 (MANE Select); coding-DNA position 12874, C replaced by G.
Protein change: p.His4292Asp; replaces histidine 4292 with aspartic acid.
Molecular consequence: missense variant.
Genome position (GRCh38, 1-based): chr1:39,368,250, C>G. VCF-style: chr1-39368250-C-G. GRCh37 (hg19) VCF-style: chr1-39833922-C-G.
Other names: c.6688C>G, p.His2230Asp (NM_012090.5); short protein forms H2230D, H4292D.
Identifiers: ClinVar variation 4795540 (VCV004795540.1).

ClinVar aggregate classification (germline): Uncertain significance (1 of 4 stars; one submission).

gnomAD v4.1: 1 of 1,614,104 alleles (0.000062%); highest among the groups gnomAD compares: Non-Finnish European, 0.000085%; no homozygotes.

Submission:

GeneDx
Classification: Uncertain significance. Last evaluated: 2025-08-10. Review status: criteria provided, single submitter. Criteria: GeneDx Variant Classification Process June 2021. Collection method: clinical testing. Allele origin: germline. Affected: yes.
Comment: Not observed at significant frequency in large population cohorts (gnomAD); In silico analysis supports that this missense variant has a deleterious effect on protein structure/function; Has not been previously published as pathogenic or benign to our knowledge